The following is an entry in ClinVar:

ClinVar aggregate classification (germline): Uncertain significance (1 of 4 stars; one submission).

Submission:

Labcorp Genetics (formerly Invitae), Labcorp
Classification: Uncertain significance. Last evaluated: 2021-08-16. Review status: criteria provided, single submitter. Criteria: Invitae Variant Classification Sherloc (09022015). Collection method: clinical testing. Allele origin: germline.
Comment: This variant is not present in population databases (ExAC no frequency). This sequence change replaces glutamic acid with glutamine at codon 612 of the LCT protein (p.Glu612Gln). The glutamic acid residue is weakly conserved and there is a small physicochemical difference between glutamic acid and glutamine. Algorithms developed to predict the effect of missense changes on protein structure and function are either unavailable or do not agree on the potential impact of this missense change (SIFT: "Not Available"; PolyPhen-2: "Benign"; Align-GVGD: "Not Available"). This variant has not been reported in the literature in individuals affected with LCT-related conditions. In summary, the available evidence is currently insufficient to determine the role of this variant in disease. Therefore, it has been classified as a Variant of Uncertain Significance.

NM_002299.4(LCT):c.1834G>C (p.Glu612Gln)

Gene: LCT (lactase; minus strand). Cytogenetic location: 2q21.3.
Variant type: single nucleotide variant.
Coding change: c.1834G>C on transcript NM_002299.4 (MANE Select); coding-DNA position 1834, G replaced by C.
Protein change: p.Glu612Gln; replaces glutamic acid 612 with glutamine.
Molecular consequence: missense variant.
Genome position (GRCh38, 1-based): chr2:135,812,830, C>G on the plus strand (G>C on the coding strand, the complement: LCT is on the minus strand). VCF-style: chr2-135812830-C-G. GRCh37 (hg19) VCF-style: chr2-136570400-C-G.
Other names: short protein forms E612Q.
Identifiers: ClinVar variation 1375542 (VCV001375542.6), dbSNP rs1285510686, ClinGen allele CA348605273.
Genomic context (GRCh38, chr2:135,812,830, plus strand): 5'-CAAACCAGCCCAGCATGAAGTGCAAGAAGCGCTCAGAGGCTCTCAGGTCCTCAGGCCTCT[C>G]TGGAGACAGGGGTTCTGCCCAGTCTGAGTTCAGCACAATGCCCACGTGCCCCTGCTGCTG-3'
Protein context (NP_002290.2, residues 602-622): NSDWAEPLSP[Glu612Gln]RPEDLRASER